The following is an entry in ClinVar:

ClinVar aggregate classification (germline): Uncertain significance (0 of 4 stars; one submission).

Conditions:
FOCAD-related disorder. Also called: FOCAD-related condition.

Submission:

PreventionGenetics, part of Exact Sciences
Classification: Uncertain significance for FOCAD-related condition. Last evaluated: 2024-07-08. Review status: no assertion criteria provided. Collection method: clinical testing. Allele origin: germline.
Comment: The FOCAD c.1630_1631delTT variant is predicted to result in a frameshift and premature protein termination (p.Leu544Alafs*16). To our knowledge, this variant has not been reported in the literature. This variant is reported in 0.0018% of alleles in individuals of European (Non-Finnish) descent in gnomAD. At this time, the clinical significance of this variant is uncertain due to the absence of conclusive functional and genetic evidence.

NM_001375567.1(FOCAD):c.1630_1631del (p.Leu544fs)

Gene: FOCAD (focadhesin; plus strand). Cytogenetic location: 9p21.3.
Variant type: Deletion.
Coding change: c.1630_1631del on transcript NM_001375567.1 (MANE Select); coding-DNA positions 1630 to 1631, 2 bases deleted (TT; older notation c.1630_1631delTT).
Protein change: p.Leu544fs; shifts the reading frame from leucine 544.
Molecular consequence: frameshift variant.
Genome position (GRCh38, 1-based): chr9:20,820,393-20,820,394, TT deleted; deleting any 2 consecutive bases within chr9:20,820,392-20,820,394 gives the same sequence; the c. name uses the placement nearest the transcript's 3' end. VCF-style (leftmost placement, unchanged base first): chr9-20820391-CTT-C. GRCh37 (hg19) VCF-style: chr9-20820390-CTT-C.
Other names: c.1525_1526del, p.Leu509fs (NM_001375568.1, NM_001375570.1); c.1630_1631del, p.Leu544fs (NM_017794.5); short protein forms L509fs, L544fs.
Identifiers: ClinVar variation 3351592 (VCV003351592.1).
Genomic context (GRCh38, chr9:20,820,391, plus strand): 5'-TAGGACAAATTCTACGAATAATACAACTACTTGGAACCACACCACGACTAAGAGCTGTCA[CTT>C]TGCGCTTGCTGACATCTTTGTGGGAAAAGCAGGTAATTTCAGATATACACTTGCATGAGT-3'